The following is an entry in ClinVar:

ClinVar aggregate classification (germline): Uncertain significance (1 of 4 stars; one submission).

Conditions:
LAMA2-related muscular dystrophy (LAMA2-RD). Also called: Laminin alpha 2-related dystrophy. Identifiers: MedGen C5679788, MONDO:0100228.

Submission:

Labcorp Genetics (formerly Invitae), Labcorp
Classification: Uncertain significance for LAMA2-related muscular dystrophy. Last evaluated: 2024-02-29. Review status: criteria provided, single submitter. Criteria: Invitae Variant Classification Sherloc (09022015). Collection method: clinical testing. Allele origin: germline.
Comment: This sequence change replaces methionine, which is neutral and non-polar, with isoleucine, which is neutral and non-polar, at codon 2992 of the LAMA2 protein (p.Met2992Ile). This variant is not present in population databases (gnomAD no frequency). This variant has not been reported in the literature in individuals affected with LAMA2-related conditions. ClinVar contains an entry for this variant (Variation ID: 952500). Advanced modeling of protein sequence and biophysical properties (such as structural, functional, and spatial information, amino acid conservation, physicochemical variation, residue mobility, and thermodynamic stability) performed at Invitae indicates that this missense variant is not expected to disrupt LAMA2 protein function with a negative predictive value of 95%. In summary, the available evidence is currently insufficient to determine the role of this variant in disease. Therefore, it has been classified as a Variant of Uncertain Significance.

NM_000426.4(LAMA2):c.8976G>T (p.Met2992Ile)

Gene: LAMA2 (laminin subunit alpha 2; plus strand). Cytogenetic location: 6q22.33.
Variant type: single nucleotide variant.
Coding change: c.8976G>T on transcript NM_000426.4 (MANE Select); coding-DNA position 8976, G replaced by T.
Protein change: p.Met2992Ile; replaces methionine 2992 with isoleucine.
Molecular consequence: missense variant.
Genome position (GRCh38, 1-based): chr6:129,512,481, G>T. VCF-style: chr6-129512481-G-T. GRCh37 (hg19) VCF-style: chr6-129833626-G-T.
Other names: c.8964G>T, p.Met2988Ile (NM_001079823.2); short protein forms M2992I, M2988I.
Identifiers: ClinVar variation 952500 (VCV000952500.10), dbSNP rs1786672942, ClinGen allele CA365636275.
Genomic context (GRCh38, chr6:129,512,481, plus strand): 5'-AACGACTGGAGTTCTTCTGGGGATCAGTAGTCAAAAAATGGATGGAATGGGTATTGAAAT[G>T]ATTGATGAAAAGGTGAGTGTCAGCAATGCAAACATTTCTGATTTCTTCATGATATTGTTG-3'
Protein context (NP_000417.3, residues 2982-3002): SQKMDGMGIE[Met2992Ile]IDEKLMFHVD